The following is an entry in ClinVar:

NM_001348768.2(HECW2):c.2989C>T (p.His997Tyr)

Gene: HECW2 (HECT, C2 and WW domain containing E3 ubiquitin protein ligase 2; minus strand). Cytogenetic location: 2q32.3.
Variant type: single nucleotide variant.
Coding change: c.2989C>T on transcript NM_001348768.2 (MANE Select); coding-DNA position 2989, C replaced by T.
Protein change: p.His997Tyr; replaces histidine 997 with tyrosine.
Molecular consequence: missense variant.
Genome position (GRCh38, 1-based): chr2:196,292,576, G>A on the plus strand (C>T on the coding strand, the complement: HECW2 is on the minus strand). VCF-style: chr2-196292576-G-A. GRCh37 (hg19) VCF-style: chr2-197157300-G-A.
Other names: c.2989C>T (NM_020760.2); c.1921C>T, p.His641Tyr (NM_001304840.3); c.2989C>T, p.His997Tyr (NM_020760.4); short protein forms H997Y, H641Y.
Identifiers: ClinVar variation 4959236 (VCV004959236.2).

ClinVar aggregate classification (germline): Uncertain significance. Review status: criteria provided, multiple submitters, no conflicts (2 of 4 stars). 2 submissions from 2 submitters: Uncertain significance (2). Last evaluated 2026-09-03.

Conditions:
HECW2-related disorder. Also called: HECW2-related condition.

Submissions (2):

PreventionGenetics, part of Exact Sciences
Classification: Uncertain significance for HECW2-related condition. Last evaluated: 2026-09-03. Review status: criteria provided, single submitter. Criteria: ACMG Guidelines, 2015. Collection method: clinical testing. Allele origin: germline.
Comment: The HECW2 c.2989C>T variant is predicted to result in the amino acid substitution p.His997Tyr. To our knowledge, this variant has not been reported in the literature or in a large population database (gnomAD), indicating this variant is rare. At this time, the clinical significance of this variant is uncertain due to the absence of conclusive functional and genetic evidence.

Blueprint Genetics
Classification: Uncertain significance. Last evaluated: 2024-08-19. Review status: criteria provided, single submitter. Criteria: ACMG Guidelines, 2015. Collection method: clinical testing. Allele origin: germline.